The following is an entry in ClinVar:

ClinVar aggregate classification (germline): Uncertain significance (1 of 4 stars; one submission).

Allele frequency attached by ClinVar (database versions not stated): ExAC 0.00001; gnomAD 0.00001; TOPMed 0.00001.
gnomAD v4.1: 13 of 1,612,694 alleles (0.00081%); highest among the groups gnomAD compares: East Asian, 0.0089%; no homozygotes.

Submission:

Labcorp Genetics (formerly Invitae), Labcorp
Classification: Uncertain significance. Last evaluated: 2024-08-12. Review status: criteria provided, single submitter. Criteria: Invitae Variant Classification Sherloc (09022015). Collection method: clinical testing. Allele origin: germline.
Comment: This sequence change replaces arginine, which is basic and polar, with cysteine, which is neutral and slightly polar, at codon 901 of the ADAMTSL4 protein (p.Arg901Cys). The frequency data for this variant in the population databases is considered unreliable, as metrics indicate poor data quality at this position in the gnomAD database. This variant has not been reported in the literature in individuals affected with ADAMTSL4-related conditions. ClinVar contains an entry for this variant (Variation ID: 1927410). Advanced modeling of protein sequence and biophysical properties (such as structural, functional, and spatial information, amino acid conservation, physicochemical variation, residue mobility, and thermodynamic stability) performed at Invitae indicates that this missense variant is expected to disrupt ADAMTSL4 protein function with a positive predictive value of 80%. In summary, the available evidence is currently insufficient to determine the role of this variant in disease. Therefore, it has been classified as a Variant of Uncertain Significance.

NM_019032.6(ADAMTSL4):c.2701C>T (p.Arg901Cys)

Gene: ADAMTSL4 (ADAMTS like 4; plus strand). Cytogenetic location: 1q21.2.
Variant type: single nucleotide variant.
Coding change: c.2701C>T on transcript NM_019032.6 (MANE Select); coding-DNA position 2701, C replaced by T.
Protein change: p.Arg901Cys; replaces arginine 901 with cysteine.
Molecular consequence: missense variant.
Genome position (GRCh38, 1-based): chr1:150,559,103, C>T. VCF-style: chr1-150559103-C-T. GRCh37 (hg19) VCF-style: chr1-150531579-C-T.
Other names: c.2584C>T, p.Arg862Cys (NM_001288607.2); c.2770C>T, p.Arg924Cys (NM_001288608.2); c.2701C>T, p.Arg901Cys (NM_001378596.1); short protein forms R901C, R862C, R924C.
Identifiers: ClinVar variation 1927410 (VCV001927410.4), dbSNP rs778152887, ClinGen allele CA1078807.
Genomic context (GRCh38, chr1:150,559,103, plus strand): 5'-GGGGAAGCAGGAGCAGGAACTGGGCAGAGCTGTCCAACAGGAAGCCGGCCCCCTGACATG[C>T]GCGCCTGCAGCCTGGGGCCCTGTGAGAGAACTTGGCGCTGGTACACAGGGCCCTGGGGTG-3'
Protein context (NP_061905.2, residues 891-911): CPTGSRPPDM[Arg901Cys]ACSLGPCERT